The following is an entry in ClinVar:

ClinVar aggregate classification (germline): Pathogenic/Likely pathogenic. Review status: criteria provided, multiple submitters, no conflicts (2 of 4 stars). 2 submissions from 2 submitters: Pathogenic (1); Likely pathogenic (1). Last evaluated 2023-07-07.

Submissions (2):

Labcorp Genetics (formerly Invitae), Labcorp
Classification: Pathogenic. Last evaluated: 2023-07-07. Review status: criteria provided, single submitter. Criteria: Invitae Variant Classification Sherloc (09022015). Collection method: clinical testing. Allele origin: germline.
Comment: This sequence change replaces glycine, which is neutral and non-polar, with valine, which is neutral and non-polar, at codon 153 of the COL4A5 protein (p.Gly153Val). This variant is not present in population databases (gnomAD no frequency). For these reasons, this variant has been classified as Pathogenic. This variant disrupts the triple helix domain of COL4A5. Glycine residues within the Gly-Xaa-Yaa repeats of the triple helix domain are required for the structure and stability of fibrillar collagens (PMID: 7695699, 8218237, 19344236). In COL4A5, missense variants at these glycine residues are significantly enriched in individuals with disease (PMID: 23720012, 27627812) compared to the general population (ExAC). Advanced modeling of protein sequence and biophysical properties (such as structural, functional, and spatial information, amino acid conservation, physicochemical variation, residue mobility, and thermodynamic stability) performed at Invitae indicates that this missense variant is expected to disrupt COL4A5 protein function. ClinVar contains an entry for this variant (Variation ID: 804590). This missense change has been observed in individuals with clinical features of Alport syndrome (Invitae).

Athena Diagnostics
Classification: Likely pathogenic. Last evaluated: 2019-02-06. Review status: criteria provided, single submitter. Criteria: Athena Diagnostics Criteria. Collection method: clinical testing. Allele origin: germline.
Comment: The variant disrupts a glycine residue in the canonical Gly-X-Y repeats of the triple helix domain, which are required for stability and structure of this protein. Therefore it is expected to severely affect the function of the protein. Not found in the total gnomAD dataset, and the data is high quality (0/202932 chr).

Literature cited by the submitters: PubMed 7695699 (cited by Labcorp Genetics (formerly Invitae), Labcorp); PubMed 8218237 (cited by Labcorp Genetics (formerly Invitae), Labcorp); PubMed 19344236 (cited by Labcorp Genetics (formerly Invitae), Labcorp); PubMed 23720012 (cited by Labcorp Genetics (formerly Invitae), Labcorp); PubMed 27627812 (cited by Labcorp Genetics (formerly Invitae), Labcorp).

NM_033380.3(COL4A5):c.458G>T (p.Gly153Val)

Gene: COL4A5 (collagen type IV alpha 5 chain; plus strand). Cytogenetic location: Xq22.3.
Variant type: single nucleotide variant.
Coding change: c.458G>T on transcript NM_033380.3 (MANE Select); coding-DNA position 458, G replaced by T.
Protein change: p.Gly153Val; replaces glycine 153 with valine.
Molecular consequence: missense variant.
Genome position (GRCh38, 1-based): chrX:108,571,830, G>T. VCF-style: chrX-108571830-G-T. GRCh37 (hg19) VCF-style: chrX-107815060-G-T.
Other names: c.458G>T, p.Gly153Val (NM_000495.5); short protein forms G153V.
Identifiers: ClinVar variation 804590 (VCV000804590.8), dbSNP rs1569488946, ClinGen allele CA413920513.